The following is an entry in ClinVar:

NM_000540.3(RYR1):c.3816C>T (p.Thr1272=)

Gene: RYR1 (ryanodine receptor 1; plus strand). Cytogenetic location: 19q13.2.
Variant type: single nucleotide variant.
Coding change: c.3816C>T on transcript NM_000540.3 (MANE Select); coding-DNA position 3816, C replaced by T.
Protein change: p.Thr1272=; no amino-acid change (threonine 1272 retained).
Molecular consequence: synonymous variant.
Genome position (GRCh38, 1-based): chr19:38,473,427, C>T. VCF-style: chr19-38473427-C-T. GRCh37 (hg19) VCF-style: chr19-38964067-C-T.
Other names: c.3816C>T, p.Thr1272= (NM_001042723.2); c.3816C>T (NM_000540.2).
Identifiers: ClinVar variation 1585532 (VCV001585532.11), dbSNP rs372061013, ClinGen allele CA065239.
Genomic context (GRCh38, chr19:38,473,427, plus strand): 5'-GCCACCTCAGGTATCCCGAGTGGACGGCACTGTGGACACGCCCCCCTGCCTGCGCCTGAC[C>T]CACCGCACCTGGGGCTCCCAGAACAGCCTGGTGGAGATGCTTTTCCTGCGGCTGAGCCTC-3'
Protein context (NP_000531.2, residues 1262-1282): TVDTPPCLRL[Thr1272=]HRTWGSQNSL

ClinVar aggregate classification (germline): Likely benign. Review status: criteria provided, multiple submitters, no conflicts (2 of 4 stars). 3 submissions from 3 submitters: Likely benign (2). 1 of the submissions does not count toward it. Last evaluated 2025-05-28.

Conditions:
Malignant hyperthermia, susceptibility to, 1 (MHS1). Also called: Malignant hyperthermia suceptibility 1; Anesthesia related hyperthermia; Malignant hyperpyrexia; Fulminating hyperpyrexia; Pharmacogenic myopathy; RYR1-Related Malignant Hyperthermia Susceptibility. Identifiers: Orphanet 423, MedGen C2930980, MONDO:0007783, OMIM 145600.
RYR1-related disorder. Also called: RYR1-related condition; RYR1-related disorders. Identifiers: MedGen CN239331.

Allele frequency attached by ClinVar (database versions not stated): gnomAD 0.00001; TOPMed 0.00002; ExAC 0.00003; ESP Exome Variant Server 0.00015.
gnomAD v4.1: 30 of 1,613,814 alleles (0.0019%); highest among the groups gnomAD compares: Non-Finnish European, 0.0025%; no homozygotes.

Submissions (3):

Labcorp Genetics (formerly Invitae), Labcorp
Classification: Likely benign for RYR1-related disorder. Last evaluated: 2025-05-28. Review status: criteria provided, single submitter. Criteria: Invitae Variant Classification Sherloc (09022015). Collection method: clinical testing. Allele origin: germline.

Color Diagnostics, LLC DBA Color Health
Classification: Likely benign for Malignant hyperthermia, susceptibility to, 1. Last evaluated: 2023-05-17. Review status: criteria provided, single submitter. Criteria: ACMG Guidelines, 2015. Collection method: clinical testing. Allele origin: germline.

PreventionGenetics, part of Exact Sciences
Classification: Likely benign for RYR1-related condition. Last evaluated: 2022-06-02. Review status: no assertion criteria provided. Collection method: clinical testing. Allele origin: germline. Not counted in ClinVar's aggregate classification.
Comment: This variant is classified as likely benign based on ACMG/AMP sequence variant interpretation guidelines (Richards et al. 2015 PMID: 25741868, with internal and published modifications).